The following is an entry in ClinVar:

NM_020919.4(ALS2):c.2761C>T (p.Arg921Ter)

Gene: ALS2 (alsin Rho guanine nucleotide exchange factor ALS2; minus strand). Cytogenetic location: 2q33.1.
Variant type: single nucleotide variant.
Coding change: c.2761C>T on transcript NM_020919.4 (MANE Select); coding-DNA position 2761, C replaced by T.
Protein change: p.Arg921Ter; replaces arginine 921 with a stop codon.
Molecular consequence: nonsense.
Genome position (GRCh38, 1-based): chr2:201,728,592, G>A on the plus strand (C>T on the coding strand, the complement: ALS2 is on the minus strand). VCF-style: chr2-201728592-G-A. GRCh37 (hg19) VCF-style: chr2-202593315-G-A.
Other names: short protein forms R921*.
Identifiers: ClinVar variation 100653 (VCV000100653.5), dbSNP rs587777132, ClinGen allele CA236114.

ClinVar aggregate classification (germline): Pathogenic. Review status: criteria provided, multiple submitters, no conflicts (2 of 4 stars). 4 submissions from 3 submitters: Pathogenic (2). 2 of the submissions do not count toward it. Last evaluated 2024-03-14.

Conditions:
Amyotrophic lateral sclerosis type 2, juvenile. Also called: ALS, JUVENILE; Amyotrophic lateral sclerosis type 2. Identifiers: Orphanet 300605, MedGen C1859807, MONDO:0008780, OMIM 205100.
Infantile-onset ascending hereditary spastic paralysis (IAHSP). Also called: Autosomal Recessive Juvenile Amyotrophic Lateral Sclerosis; Infantile-Onset Ascending Hereditary Spastic Paralysis (IAHSP). Identifiers: Orphanet 293168, MedGen C2931441, MONDO:0011797, OMIM 607225. Disease mechanism: loss of function.

Allele frequency attached by ClinVar (database versions not stated): gnomAD exomes below 0.00001; TOPMed 0.00001.
gnomAD v4.1: 2 of 1,614,014 alleles (0.00012%); highest among the groups gnomAD compares: South Asian, 0.0011%; no homozygotes.

Submissions (4):

Genomic Medicine Center of Excellence, King Faisal Specialist Hospital and Research Centre
Classification: Pathogenic for Amyotrophic lateral sclerosis type 2, juvenile. Last evaluated: 2024-03-14. Review status: criteria provided, single submitter. Criteria: ACMG Guidelines, 2015. Collection method: research. Allele origin: germline.

Suna and Inan Kirac Foundation Neurodegeneration Research Laboratory, Koc University
Classification: Pathogenic for Amyotrophic lateral sclerosis type 2, juvenile. Last evaluated: 2020-03-31. Review status: criteria provided, single submitter. Criteria: ACMG Guidelines, 2015. Collection method: research. Allele origin: germline. Affected: yes. Observed: 1 variant allele.

OMIM
Classification: Pathogenic for SPASTIC PARALYSIS, INFANTILE-ONSET ASCENDING. Last evaluated: 2014-02-15. Review status: no assertion criteria provided. Collection method: literature only. Allele origin: germline. Not counted in ClinVar's aggregate classification.

Genomic Medicine Center of Excellence, King Faisal Specialist Hospital and Research Centre
Classification: Likely pathogenic. Review status: flagged submission. Criteria: ACMG Guidelines, 2015. Collection method: research. Allele origin: germline. Affected: yes. Not counted in ClinVar's aggregate classification.
ClinVar note: Reason: This record appears to be redundant with a more recent record from the same submitter.
ClinVar note: Notes: SCV000221525 appears to be redundant with SCV004801140.

Literature cited by the submitters: PubMed 24315819 (cited by OMIM).